The following is an entry in ClinVar:

NM_000548.5(TSC2):c.1599G>A (p.Lys533=)

Gene: TSC2 (TSC complex subunit 2; plus strand). Cytogenetic location: 16p13.3.
Variant type: single nucleotide variant.
Coding change: c.1599G>A on transcript NM_000548.5 (MANE Select); coding-DNA position 1599, G replaced by A.
Protein change: p.Lys533=; no amino-acid change (lysine 533 retained).
Molecular consequence: synonymous variant.
Genome position (GRCh38, 1-based): chr16:2,064,427, G>A. VCF-style: chr16-2064427-G-A. GRCh37 (hg19) VCF-style: chr16-2114428-G-A.
Other names: c.1599G>A, p.Lys533= (NM_001077183.3, NM_001114382.3, NM_001363528.2 and 3 more transcripts); c.1488G>A, p.Lys496= (NM_001318827.2); c.1452G>A, p.Lys484= (NM_001318829.2); c.999G>A, p.Lys333= (NM_001318831.2); c.1632G>A, p.Lys544= (NM_001318832.2).
Identifiers: ClinVar variation 49686 (VCV000049686.11), dbSNP rs1555502589, ClinGen allele CA015223.

ClinVar aggregate classification (germline): Conflicting classifications of pathogenicity. Review status: criteria provided, conflicting classifications (1 of 4 stars). 4 submissions from 4 submitters: Likely pathogenic (1); Uncertain significance (2). 1 of the submissions does not count toward it. Last evaluated 2026-08-06.

Conditions:
Lymphangiomyomatosis (LAM). Also called: Lymphangioleiomyomatosis; Lymphangioleiomyomatosis, somatic. Identifiers: Orphanet 538, MedGen C0751674, MONDO:0011705, OMIM 606690.
Isolated focal cortical dysplasia type II (FCORD2). Also called: Focal cortical dysplasia type II; CORTICAL DYSPLASIA OF TAYLOR. Identifiers: Orphanet 268994, MedGen C1846385, MONDO:0011818, OMIM 607341, HP:0032051.
Tuberous sclerosis 2 (TSC2). Identifiers: Orphanet 805, MedGen C1860707, MONDO:0013199, OMIM 613254.
Tuberous sclerosis syndrome (TSC). Also called: Tuberous Sclerosis Complex; Tuberous sclerosis. Identifiers: Orphanet 805, MedGen C0041341, MONDO:0001734.
Hereditary cancer-predisposing syndrome. Also called: Neoplastic Syndromes, Hereditary; Hereditary neoplastic syndrome; Hereditary Cancer Syndrome; Tumor predisposition. Identifiers: Orphanet 140162, MedGen C0027672, MeSH D009386, MONDO:0015356.

Submissions (4):

Ambry Genetics
Classification: Uncertain significance for Hereditary cancer-predisposing syndrome. Last evaluated: 2026-08-06. Review status: criteria provided, single submitter. Criteria: Ambry Variant Classification Scheme 2023. Collection method: clinical testing. Allele origin: germline.
Comment: The c.1599G>A variant (also known as p.K533K) is located in coding exon 14 of the TSC2 gene. This variant results from a G to A substitution at nucleotide position 1599. This nucleotide substitution does not change the amino acid at codon 533. However, this change occurs in the last base pair of coding exon 14, which makes it likely to have some effect on normal mRNA splicing. This variant was reported in individual(s) with features consistent with tuberous sclerosis complex (Ding Y et al. Front Genet, 2020 Mar;11:204; Milon V et al. Eur J Hum Genet, 2024 Dec;32:1590-1598). This nucleotide position is not well conserved in available vertebrate species. In silico splice site analysis for this alteration is inconclusive. Based on the available evidence, the clinical significance of this variant remains unclear.

Labcorp Genetics (formerly Invitae), Labcorp
Classification: Uncertain significance for Tuberous sclerosis 2. Last evaluated: 2021-04-27. Review status: criteria provided, single submitter. Criteria: Invitae Variant Classification Sherloc (09022015). Collection method: clinical testing. Allele origin: germline.
Comment: A different variant affecting this nucleotide (c.1599G>C) has been determined to be pathogenic (PMID:27859028). This suggests that this nucleotide is important for normal RNA splicing, and that other variants at this position may also be pathogenic. In summary, the available evidence is currently insufficient to determine the role of this variant in disease. Therefore, it has been classified as a Variant of Uncertain Significance. Nucleotide substitutions within the consensus splice site are a relatively common cause of aberrant splicing (PMID: 17576681, 9536098). Algorithms developed to predict the effect of sequence changes on RNA splicing suggest that this variant may disrupt the consensus splice site, but this prediction has not been confirmed by published transcriptional studies. This variant has been reported in individuals in the Leiden Open-source Variation Database (PMID: 21520333). ClinVar contains an entry for this variant (Variation ID: 49686). This variant is not present in population databases (ExAC no frequency). This sequence change affects codon 533 of the TSC2 mRNA. It is a 'silent' change, meaning that it does not change the encoded amino acid sequence of the TSC2 protein. This variant also falls at the last nucleotide of exon 15 of the TSC2 coding sequence, which is part of the consensus splice site for this exon.

Juno Genomics, Hangzhou Juno Genomics, Inc
Classification: Likely pathogenic for Tuberous sclerosis 2; Isolated focal cortical dysplasia type II; Lymphangiomyomatosis. Review status: criteria provided, single submitter. Criteria: ACMG Guidelines, 2015. Collection method: clinical testing. Allele origin: germline. Affected: yes.
Comment: Absent from controls (or at extremely low frequency if recessive) in Genome Aggregation Database, Exome Sequencing Project, 1000 Genomes Project, or Exome Aggregation Consortium.;Multiple lines of computational evidence support a deleterious effect on the gene or gene product (conservation, evolutionary, splicing impact, etc).;Assumed de novo, but without confirmation of paternity and maternity.;The prevalence of the variant in affected individuals is significantly increased compared to the prevalence in controls.;Patient's phenotype or family history is highly specific for a disease with a single genetic etiology.

Tuberous sclerosis database (TSC2)
No classification provided. Condition: TSC. Review status: no classification provided. Criteria: Tuberous Sclerosis Database Assertion Criteria 2015. Collection method: curation. Allele origin: germline. Affected: yes. Not counted in ClinVar's aggregate classification.

Literature cited by the submitters: PubMed 32211034 (cited by Ambry Genetics); PubMed 38806662 (cited by Ambry Genetics); PubMed 27859028 (cited by Labcorp Genetics (formerly Invitae), Labcorp); PubMed 17576681 (cited by Labcorp Genetics (formerly Invitae), Labcorp); PubMed 9536098 (cited by Labcorp Genetics (formerly Invitae), Labcorp); PubMed 21520333 (cited by Labcorp Genetics (formerly Invitae), Labcorp).